The following is an entry in ClinVar:

ClinVar aggregate classification (germline): Pathogenic/Likely pathogenic. Review status: criteria provided, multiple submitters, no conflicts (2 of 4 stars). 4 submissions from 4 submitters: Pathogenic (2); Likely pathogenic (1). 1 of the submissions does not count toward it. Last evaluated 2025-06-12.

Conditions:
NEK8-related disorder. Also called: NEK8-related condition.
Nephronophthisis 9 (NPHP9). Identifiers: Orphanet 655, MedGen C3151188, MONDO:0013444, OMIM 613824.
Renal-hepatic-pancreatic dysplasia 2 (RHPD2). Identifiers: MedGen C3809434, MONDO:0014174, OMIM 615415.
Polycystic kidney disease 8. Identifiers: MedGen C5935640, MONDO:0971178, OMIM 620903.

Allele frequency attached by ClinVar (database versions not stated): gnomAD 0.00002; TOPMed 0.00002.

Submissions (4):

Labcorp Genetics (formerly Invitae), Labcorp
Classification: Pathogenic for Nephronophthisis 9. Last evaluated: 2025-06-12. Review status: criteria provided, single submitter. Criteria: Invitae Variant Classification Sherloc (09022015). Collection method: clinical testing. Allele origin: germline.
Comment: This sequence change creates a premature translational stop signal (p.Arg127*) in the NEK8 gene. It is expected to result in an absent or disrupted protein product. Loss-of-function variants in NEK8 are known to be pathogenic (PMID: 23418306, 26967905). This variant is present in population databases (no rsID available, gnomAD 0.0009%). This premature translational stop signal has been observed in individual(s) with NEK8-related conditions (PMID: 26967905). ClinVar contains an entry for this variant (Variation ID: 490183). For these reasons, this variant has been classified as Pathogenic.

Fulgent Genetics
Classification: Pathogenic for Nephronophthisis 9; Renal-hepatic-pancreatic dysplasia 2; Polycystic kidney disease 8. Last evaluated: 2024-02-13. Review status: criteria provided, single submitter. Criteria: ACMG Guidelines, 2015. Collection method: clinical testing. Allele origin: germline.

Blueprint Genetics
Classification: Likely pathogenic for NEK8-related disorders. Last evaluated: 2023-11-03. Review status: criteria provided, single submitter. Criteria: ACMG Guidelines, 2015. Collection method: clinical testing. Allele origin: germline. Affected: yes. Observed: 1 variant allele.

OMIM
Classification: Pathogenic for RENAL-HEPATIC-PANCREATIC DYSPLASIA 2. Last evaluated: 2018-02-14. Review status: no assertion criteria provided. Collection method: literature only. Allele origin: germline. Not counted in ClinVar's aggregate classification.

Literature cited by the submitters: PubMed 23418306 (cited by Labcorp Genetics (formerly Invitae), Labcorp); PubMed 26967905 (cited by Labcorp Genetics (formerly Invitae), Labcorp and OMIM).

NM_178170.3(NEK8):c.379C>T (p.Arg127Ter)

Gene: NEK8 (NIMA related kinase 8; plus strand). Cytogenetic location: 17q11.2.
Variant type: single nucleotide variant.
Coding change: c.379C>T on transcript NM_178170.3 (MANE Select); coding-DNA position 379, C replaced by T.
Protein change: p.Arg127Ter; replaces arginine 127 with a stop codon.
Molecular consequence: nonsense.
Genome position (GRCh38, 1-based): chr17:28,734,897, C>T. VCF-style: chr17-28734897-C-T. GRCh37 (hg19) VCF-style: chr17-27061915-C-T.
Other names: short protein forms R127*.
Identifiers: ClinVar variation 490183 (VCV000490183.8), dbSNP rs752792782, ClinGen allele CA398424780.